The following is an entry in ClinVar:

NM_001382430.1(AKT1):c.593A>G (p.Glu198Gly)

Gene: AKT1 (AKT serine/threonine kinase 1; minus strand). Cytogenetic location: 14q32.33.
Variant type: single nucleotide variant.
Coding change: c.593A>G on transcript NM_001382430.1 (MANE Select); coding-DNA position 593, A replaced by G.
Protein change: p.Glu198Gly; replaces glutamic acid 198 with glycine.
Molecular consequence: missense variant.
Genome position (GRCh38, 1-based): chr14:104,774,978, T>C on the plus strand (A>G on the coding strand, the complement: AKT1 is on the minus strand). VCF-style: chr14-104774978-T-C. GRCh37 (hg19) VCF-style: chr14-105241315-T-C.
Other names: c.593A>G, p.Glu198Gly (NM_001014431.2, NM_001014432.2, NM_001382431.1 and 3 more transcripts); short protein forms E198G.
Identifiers: ClinVar variation 2567942 (VCV002567942.2), dbSNP rs1892621826, ClinGen allele CA391219235.

ClinVar aggregate classification (germline): Uncertain significance (1 of 4 stars; one submission).

Conditions:
Inborn genetic diseases. Identifiers: MedGen C0950123, MeSH D030342.

Allele frequency attached by ClinVar (database versions not stated): gnomAD exomes below 0.00001; TOPMed below 0.00001.
gnomAD v4.1: 1 of 1,613,034 alleles (0.000062%); highest among the groups gnomAD compares: Non-Finnish European, 0.000085%; no homozygotes.

Submission:

Ambry Genetics
Classification: Uncertain significance for Inborn genetic diseases. Last evaluated: 2023-05-02. Review status: criteria provided, single submitter. Criteria: Ambry Variant Classification Scheme 2023. Collection method: clinical testing. Allele origin: germline.
Comment: The p.E198G variant (also known as c.593A>G), located in coding exon 6 of the AKT1 gene, results from an A to G substitution at nucleotide position 593. The glutamic acid at codon 198 is replaced by glycine, an amino acid with similar properties. This amino acid position is conserved. In addition, this alteration is predicted to be deleterious by in silico analysis. Since supporting evidence is limited at this time, the clinical significance of this alteration remains unclear.